The following is an entry in ClinVar:

NM_025114.4(CEP290):c.3130A>G (p.Lys1044Glu)

Gene: CEP290 (centrosomal protein 290; minus strand). Cytogenetic location: 12q21.32.
Variant type: single nucleotide variant.
Coding change: c.3130A>G on transcript NM_025114.4 (MANE Select); coding-DNA position 3130, A replaced by G.
Protein change: p.Lys1044Glu; replaces lysine 1044 with glutamic acid.
Molecular consequence: missense variant.
Genome position (GRCh38, 1-based): chr12:88,093,949, T>C on the plus strand (A>G on the coding strand, the complement: CEP290 is on the minus strand). VCF-style: chr12-88093949-T-C. GRCh37 (hg19) VCF-style: chr12-88487726-T-C.
Other names: short protein forms K1044E.
Identifiers: ClinVar variation 2095283 (VCV002095283.4), dbSNP rs2500282473, ClinGen allele CA386006525.

ClinVar aggregate classification (germline): Uncertain significance (1 of 4 stars; one submission).

Conditions:
Joubert syndrome. Also called: CEREBELLOPARENCHYMAL DISORDER IV; JOUBERT-BOLTSHAUSER SYNDROME; Familial aplasia of the vermis. Identifiers: Orphanet 475, MedGen C5979921, MONDO:0018772.
Nephronophthisis. Also called: Juvenile Nephronophthisis. Identifiers: Orphanet 655, MedGen C0687120, MONDO:0019005, HP:0000090.
Meckel-Gruber syndrome. Also called: DYSENCEPHALIA SPLANCHNOCYSTICA; GRUBER SYNDROME; Dysencephalia splachnocystica. Identifiers: Orphanet 564, MedGen C0265215, MONDO:0018921.

Submission:

Labcorp Genetics (formerly Invitae), Labcorp
Classification: Uncertain significance for Joubert syndrome; Meckel-Gruber syndrome; Nephronophthisis. Last evaluated: 2024-12-16. Review status: criteria provided, single submitter. Criteria: Invitae Variant Classification Sherloc (09022015). Collection method: clinical testing. Allele origin: germline.
Comment: This sequence change replaces lysine, which is basic and polar, with glutamic acid, which is acidic and polar, at codon 1044 of the CEP290 protein (p.Lys1044Glu). This variant is not present in population databases (gnomAD no frequency). This variant has not been reported in the literature in individuals affected with CEP290-related conditions. ClinVar contains an entry for this variant (Variation ID: 2095283). Invitae Evidence Modeling of protein sequence and biophysical properties (such as structural, functional, and spatial information, amino acid conservation, physicochemical variation, residue mobility, and thermodynamic stability) indicates that this missense variant is not expected to disrupt CEP290 protein function with a negative predictive value of 80%. In summary, the available evidence is currently insufficient to determine the role of this variant in disease. Therefore, it has been classified as a Variant of Uncertain Significance.